The following is an entry in ClinVar:

ClinVar aggregate classification (germline): Uncertain significance. Review status: criteria provided, multiple submitters, no conflicts (2 of 4 stars). 2 submissions from 2 submitters: Uncertain significance (2). Last evaluated 2024-02-11.

Conditions:
Niemann-Pick disease, type C1. Also called: NEUROVISCERAL STORAGE DISEASE WITH VERTICAL SUPRANUCLEAR OPHTHALMOPLEGIA; NIEMANN-PICK DISEASE WITH CHOLESTEROL ESTERIFICATION BLOCK; NIEMANN-PICK DISEASE WITHOUT SPHINGOMYELINASE DEFICIENCY; NIEMANN-PICK DISEASE, CHRONIC NEURONOPATHIC FORM; NIEMANN-PICK DISEASE, VARIANT TYPE C1. Identifiers: Orphanet 646, MedGen C3179455, MONDO:0009757, OMIM 257220.

Allele frequency attached by ClinVar (database versions not stated): gnomAD exomes 0.00001; ExAC 0.00002.
gnomAD v4.1: 5 of 1,614,190 alleles (0.00031%); highest among the groups gnomAD compares: East Asian, 0.011%; no homozygotes.

Submissions (2):

Labcorp Genetics (formerly Invitae), Labcorp
Classification: Uncertain significance for Niemann-Pick disease, type C1. Last evaluated: 2024-02-11. Review status: criteria provided, single submitter. Criteria: Invitae Variant Classification Sherloc (09022015). Collection method: clinical testing. Allele origin: germline.
Comment: This sequence change replaces lysine, which is basic and polar, with glutamic acid, which is acidic and polar, at codon 196 of the NPC1 protein (p.Lys196Glu). This variant is present in population databases (rs754653682, gnomAD 0.02%). This variant has not been reported in the literature in individuals affected with NPC1-related conditions. ClinVar contains an entry for this variant (Variation ID: 890771). Advanced modeling of protein sequence and biophysical properties (such as structural, functional, and spatial information, amino acid conservation, physicochemical variation, residue mobility, and thermodynamic stability) has been performed at Invitae for this missense variant, however the output from this modeling did not meet the statistical confidence thresholds required to predict the impact of this variant on NPC1 protein function. In summary, the available evidence is currently insufficient to determine the role of this variant in disease. Therefore, it has been classified as a Variant of Uncertain Significance.

Illumina Laboratory Services, Illumina
Classification: Uncertain significance for Niemann-Pick disease type C1. Last evaluated: 2017-04-28. Review status: criteria provided, single submitter. Criteria: ICSL Variant Classification Criteria 13 December 2019. Collection method: clinical testing. Allele origin: germline.
Comment: This variant was observed as part of a predisposition screen in an ostensibly healthy population. A literature search was performed for the gene, cDNA change, and amino acid change (where applicable). Publications were found based on this search. However, the evidence from the literature, in combination with allele frequency data from public databases where available, was not sufficient to rule this variant in or out of causing disease. Therefore, this variant is classified as a variant of unknown significance.

Literature cited by the submitters: PubMed 19563754 (cited by Illumina Laboratory Services, Illumina).

NM_000271.5(NPC1):c.586A>G (p.Lys196Glu)

Gene: NPC1 (NPC intracellular cholesterol transporter 1; minus strand). Cytogenetic location: 18q11.2.
Variant type: single nucleotide variant.
Coding change: c.586A>G on transcript NM_000271.5 (MANE Select); coding-DNA position 586, A replaced by G.
Protein change: p.Lys196Glu; replaces lysine 196 with glutamic acid.
Molecular consequence: missense variant.
Genome position (GRCh38, 1-based): chr18:23,561,405, T>C on the plus strand (A>G on the coding strand, the complement: NPC1 is on the minus strand). VCF-style: chr18-23561405-T-C. GRCh37 (hg19) VCF-style: chr18-21141369-T-C.
Other names: short protein forms K196E.
Identifiers: ClinVar variation 890771 (VCV000890771.6), dbSNP rs754653682, ClinGen allele CA8913701.